The following is an entry in ClinVar:

NM_000138.5(FBN1):c.6354C>T (p.Ile2118=)

Gene: FBN1 (fibrillin 1; minus strand). Cytogenetic location: 15q21.1.
Variant type: single nucleotide variant.
Coding change: c.6354C>T on transcript NM_000138.5 (MANE Select); coding-DNA position 6354, C replaced by T.
Protein change: p.Ile2118=; no amino-acid change (isoleucine 2118 retained).
Molecular consequence: synonymous variant.
Genome position (GRCh38, 1-based): chr15:48,437,347, G>A on the plus strand (C>T on the coding strand, the complement: FBN1 is on the minus strand). VCF-style: chr15-48437347-G-A. GRCh37 (hg19) VCF-style: chr15-48729544-G-A.
Other names: FBN1, 6354C-T, EX51DEL, ILE2118ILE; I2118I.
Identifiers: ClinVar variation 16449 (VCV000016449.27), dbSNP rs112989722, ClinGen allele CA016359.

ClinVar aggregate classification (germline): Pathogenic. Review status: criteria provided, multiple submitters, no conflicts (2 of 4 stars). 9 submissions from 9 submitters: Pathogenic (8). 1 of the submissions does not count toward it. Last evaluated 2026-10-06.

Conditions:
Thoracic aortic aneurysm or dissection.
Marfan Syndrome/Loeys-Dietz Syndrome/Familial Thoracic Aortic Aneurysms and Dissections. Identifiers: MedGen CN229799.
Familial thoracic aortic aneurysm and aortic dissection (TAAD). Also called: Thoracic aortic aneurysms and dissections. Identifiers: Orphanet 91387, MedGen C4707243, MONDO:0019625.
Marfan syndrome (MFS). Also called: Marfan syndrome, classic; MARFAN SYNDROME, TYPE I; FBN1-Related Marfan Syndrome; Marfan syndrome type 1; Marfan's syndrome. Identifiers: Orphanet 284963, Orphanet 558, MedGen C0024796, MONDO:0007947, OMIM 154700.

Allele frequency attached by ClinVar (database versions not stated): gnomAD 0.00001; gnomAD exomes below 0.00001.
gnomAD v4.1: 3 of 1,613,486 alleles (0.00019%); highest among the groups gnomAD compares: East Asian, 0.0022%; no homozygotes.

Submissions (9):

NHS Central & South Genomic Laboratory Hub
Classification: Pathogenic for Thoracic aortic aneurysm or dissection. Last evaluated: 2026-10-06. Review status: criteria provided, single submitter. Criteria: ACMG Guidelines, 2015. Collection method: clinical testing. Allele origin: germline. Affected: yes.

Labcorp Genetics (formerly Invitae), Labcorp
Classification: Pathogenic for Marfan syndrome; Familial thoracic aortic aneurysm and aortic dissection. Last evaluated: 2026-01-18. Review status: criteria provided, single submitter. Criteria: Invitae Variant Classification Sherloc (09022015). Collection method: clinical testing. Allele origin: germline.
Comment: This sequence change affects codon 2118 of the FBN1 mRNA. It is a 'silent' change, meaning that it does not change the encoded amino acid sequence of the FBN1 protein. RNA analysis indicates that this variant induces altered splicing and likely results in a shortened protein product. This variant is present in population databases (rs112989722, gnomAD 0.005%). This variant has been observed in individual(s) with Marfan syndrome (PMID: 9241263, 17224687, 18435798, 19720936, 24199744, 28117189). It has also been observed to segregate with disease in related individuals. ClinVar contains an entry for this variant (Variation ID: 16449). Studies have shown that this variant results in skipping of exon 52 (also known as exon 51), but is expected to preserve the integrity of the reading-frame (PMID: 9241263, 16995940, 17224687, 17884807). For these reasons, this variant has been classified as Pathogenic.

GeneDx
Classification: Pathogenic. Last evaluated: 2023-10-27. Review status: criteria provided, single submitter. Criteria: GeneDx Variant Classification Process June 2021. Collection method: clinical testing. Allele origin: germline. Affected: yes.
Comment: Not observed at significant frequency in large population cohorts (gnomAD); Published RT-PCR studies demonstrated that c.6354 C>T results in skipping of exon 52 (reported as exon 51) (PMID: 9241263); This variant is associated with the following publications: (PMID: 18435798, 24199744, 34550612, 37107549, 16995940, 11137998, 33801742, 34281902, 36729443, 17224687, 9241263, 28117189, 19720936)

Women's Health and Genetics/Laboratory Corporation of America, LabCorp
Classification: Pathogenic for Marfan Syndrome/Loeys-Dietz Syndrome/Familial Thoracic Aortic Aneurysms and Dissections. Last evaluated: 2019-12-16. Review status: criteria provided, single submitter. Criteria: LabCorp Variant Classification Summary - May 2015. Collection method: clinical testing. Allele origin: germline.
Comment: Variant summary: FBN1 c.6354C>T results in a synonymous change. 4/4 computational tools predict no significant impact on normal splicing. However, multiple publication reports experimental evidence that this variant affects mRNA splicing (Liu_1997, Kashima_2007, Miller_2007). The variant allele was found at a frequency of 4e-06 in 251020 control chromosomes. c.6354C>T has been reported in the literature in multiple individuals affected with Marfan Syndrome (Liu_1997, Miller_2007, Attanasio_2008, Pilop_2009, Trujillo-Quintero_2017). These data indicate that the variant is very likely to be associated with disease. Two clinical diagnostic laboratories have submitted clinical-significance assessments for this variant to ClinVar after 2014 without evidence for independent evaluation. Both laboratories classified the variant as pathogenic/likely pathogenic. Based on the evidence outlined above, the variant was classified as pathogenic.

Molecular Diagnostic Laboratory for Inherited Cardiovascular Disease, Montreal Heart Institute
Classification: Pathogenic for Marfan syndrome. Last evaluated: 2019-10-24. Review status: criteria provided, single submitter. Criteria: ACMG Guidelines, 2015. Collection method: clinical testing. Allele origin: germline. Affected: yes.

Laboratory for Molecular Medicine, Mass General Brigham Personalized Medicine
Classification: Pathogenic for Marfan syndrome. Last evaluated: 2019-04-22. Review status: criteria provided, single submitter. Criteria: LMM Criteria. Collection method: clinical testing. Allele origin: germline. Inheritance: Autosomal dominant inheritance. Observed: 2 variant alleles.
Comment: The p.Ile2118Ile variant has been identified in 6 individuals with clinical features of Marfan syndrome and segregated in 7 affected relatives (Liu 1997, Miller 2007, Attanasio 2008, Pilop 2009, Pees 2014, Trujillo Quintero 2017). This variant has also been identified in 1/19938 East Asian and 1/128572 European chromosomes by gnomAD (gnomAD). Although this variant does not lead to an amino acid change, functional studies have shown that this variant induces the skipping of exon 51 leading to the in-frame deletion of 22 amino acids (Liu 1997). Therefore, this variant meets criteria to be classified as pathogenic. ACMG/AMP codes applied: PP1_Strong; PM2; PM6; PS3_Moderate; PS4.

Ambry Genetics
Classification: Pathogenic for Familial thoracic aortic aneurysm and aortic dissection. Last evaluated: 2014-11-11. Review status: criteria provided, single submitter. Criteria: Ambry Variant Classification Scheme 2023. Collection method: clinical testing. Allele origin: germline.
Comment: The c.6354C>T pathogenic mutation (also known as p.I2118I), located in coding exon 51 of the FBN1 gene, results from a C to T substitution at nucleotide position 6354. This nucleotide substitution does not change the amino acid at codon 2118. However, this alteration results in in-frame skipping of the entire exon 51 based on RT-PCR analysis (Liu W et al. Nat Genet. 1997;16(4):328-9). This recurrent alteration disrupts an exonic splicing enhancer and has been reported in multiple patients (Miller TE et al. Genet Med. 2007;9(1):23-33; Attanasio M et al. Clin Genet. 2008;74(1):39-46; Pilop C et al. Circulation. 2009;120(11):983-91; Pees C et al. Clin Genet. 2013). Based on the supporting evidence, c.6354C>T is interpreted as a disease-causing mutation.

Juno Genomics, Hangzhou Juno Genomics, Inc
Classification: Pathogenic for Marfan syndrome. Review status: criteria provided, single submitter. Criteria: ACMG Guidelines, 2015. Collection method: clinical testing. Allele origin: germline. Affected: yes.
Comment: Absent from controls (or at extremely low frequency if recessive) in Genome Aggregation Database, Exome Sequencing Project, 1000 Genomes Project, or Exome Aggregation Consortium.;Well-established in vitro or in vivo functional studies supportive of a damaging effect on the gene or gene product.;The prevalence of the variant in affected individuals is significantly increased compared to the prevalence in controls.;Co-segregation with disease in multiple affected family members in a gene definitively known to cause the disease.

OMIM
Classification: Pathogenic for MARFAN SYNDROME. Last evaluated: 1997-08-01. Review status: no assertion criteria provided. Collection method: literature only. Allele origin: germline. Not counted in ClinVar's aggregate classification.

Literature cited by the submitters: PubMed 9241263 (cited by 5 submitters); PubMed 17224687 (cited by 4 submitters); PubMed 18435798 (cited by 4 submitters); PubMed 19720936 (cited by 4 submitters); PubMed 24199744 (cited by 3 submitters); PubMed 28117189 (cited by 3 submitters); PubMed 16995940 (cited by 3 submitters); PubMed 17884807 (cited by Labcorp Genetics (formerly Invitae), Labcorp and Women's Health and Genetics/Laboratory Corporation of America, LabCorp); PubMed 12938084 (cited by Women's Health and Genetics/Laboratory Corporation of America, LabCorp); PubMed 11137998 (cited by Women's Health and Genetics/Laboratory Corporation of America, LabCorp); PubMed 11967553 (cited by Women's Health and Genetics/Laboratory Corporation of America, LabCorp); PubMed 1569206 (cited by OMIM); PubMed 8406497 (cited by OMIM).